The following is an entry in ClinVar:

ClinVar aggregate classification (germline): Uncertain significance (1 of 4 stars; one submission).

Allele frequency attached by ClinVar (database versions not stated): gnomAD exomes below 0.00001.

Submission:

Labcorp Genetics (formerly Invitae), Labcorp
Classification: Uncertain significance. Last evaluated: 2023-11-15. Review status: criteria provided, single submitter. Criteria: Invitae Variant Classification Sherloc (09022015). Collection method: clinical testing. Allele origin: germline.
Comment: This sequence change replaces serine, which is neutral and polar, with phenylalanine, which is neutral and non-polar, at codon 247 of the SIAE protein (p.Ser247Phe). This variant is not present in population databases (gnomAD no frequency). This variant has not been reported in the literature in individuals affected with SIAE-related conditions. Algorithms developed to predict the effect of missense changes on protein structure and function output the following: SIFT: "Not Available"; PolyPhen-2: "Benign"; Align-GVGD: "Not Available". The phenylalanine amino acid residue is found in multiple mammalian species, which suggests that this missense change does not adversely affect protein function. In summary, the available evidence is currently insufficient to determine the role of this variant in disease. Therefore, it has been classified as a Variant of Uncertain Significance.

NM_170601.5(SIAE):c.740C>T (p.Ser247Phe)

Gene: SIAE (sialic acid acetylesterase; minus strand). Cytogenetic location: 11q24.2.
Variant type: single nucleotide variant.
Coding change: c.740C>T on transcript NM_170601.5 (MANE Select); coding-DNA position 740, C replaced by T.
Protein change: p.Ser247Phe; replaces serine 247 with phenylalanine.
Molecular consequence: missense variant.
Genome position (GRCh38, 1-based): chr11:124,648,158, G>A on the plus strand (C>T on the coding strand, the complement: SIAE is on the minus strand). VCF-style: chr11-124648158-G-A. GRCh37 (hg19) VCF-style: chr11-124518054-G-A.
Other names: c.635C>T, p.Ser212Phe (NM_001199922.2); short protein forms S212F, S247F.
Identifiers: ClinVar variation 2696014 (VCV002696014.3), dbSNP rs2496902613, ClinGen allele CA383149485.